The following is an entry in ClinVar:

ClinVar aggregate classification (germline): Pathogenic (1 of 4 stars; one submission).

Allele frequency attached by ClinVar (database versions not stated): gnomAD exomes below 0.00001; ExAC 0.00001.
gnomAD v4.1: 1 of 1,613,916 alleles (0.000062%); highest among the groups gnomAD compares: Admixed American, 0.0017%; no homozygotes.

Submission:

Labcorp Genetics (formerly Invitae), Labcorp
Classification: Pathogenic. Last evaluated: 2022-06-27. Review status: criteria provided, single submitter. Criteria: Invitae Variant Classification Sherloc (09022015). Collection method: clinical testing. Allele origin: germline.
Comment: This sequence change creates a premature translational stop signal (p.Gln875*) in the ADCY5 gene. It is expected to result in an absent or disrupted protein product. Loss-of-function variants in ADCY5 are known to be pathogenic (PMID: 28971144, 34631954). This variant is present in population databases (rs775132310, gnomAD 0.003%). This variant has not been reported in the literature in individuals affected with ADCY5-related conditions. For these reasons, this variant has been classified as Pathogenic.

Literature cited by the submitters: PubMed 28971144; PubMed 34631954.

NM_183357.3(ADCY5):c.2623C>T (p.Gln875Ter)

Gene: ADCY5 (adenylate cyclase 5; minus strand). Cytogenetic location: 3q21.1.
Variant type: single nucleotide variant.
Coding change: c.2623C>T on transcript NM_183357.3 (MANE Select); coding-DNA position 2623, C replaced by T.
Protein change: p.Gln875Ter; replaces glutamine 875 with a stop codon.
Molecular consequence: nonsense.
Genome position (GRCh38, 1-based): chr3:123,303,156, G>A on the plus strand (C>T on the coding strand, the complement: ADCY5 is on the minus strand). VCF-style: chr3-123303156-G-A. GRCh37 (hg19) VCF-style: chr3-123022003-G-A.
Other names: c.1573C>T, p.Gln525Ter (NM_001199642.1); c.2623C>T, p.Gln875Ter (NM_001378259.1); short protein forms Q525*, Q875*.
Identifiers: ClinVar variation 2419529 (VCV002419529.3), dbSNP rs775132310, ClinGen allele CA2577047.